The following is an entry in ClinVar:

ClinVar aggregate classification (germline): Uncertain significance (1 of 4 stars; one submission).

Conditions:
Infantile spasms. Also called: Infantile spasm. Identifiers: MedGen C3887898, HP:0012469.

Allele frequency attached by ClinVar (database versions not stated): gnomAD exomes below 0.00001; ExAC 0.00001.
gnomAD v4.1: 2 of 1,614,208 alleles (0.00012%); highest among the groups gnomAD compares: Non-Finnish European, 0.00017%; no homozygotes.

Submission:

Labcorp Genetics (formerly Invitae), Labcorp
Classification: Uncertain significance for Infantile spasms. Last evaluated: 2022-02-05. Review status: criteria provided, single submitter. Criteria: Invitae Variant Classification Sherloc (09022015). Collection method: clinical testing. Allele origin: germline.
Comment: This sequence change replaces alanine, which is neutral and non-polar, with threonine, which is neutral and polar, at codon 276 of the PIK3AP1 protein (p.Ala276Thr). In summary, the available evidence is currently insufficient to determine the role of this variant in disease. Therefore, it has been classified as a Variant of Uncertain Significance. Algorithms developed to predict the effect of missense changes on protein structure and function are either unavailable or do not agree on the potential impact of this missense change (SIFT: "Tolerated"; PolyPhen-2: "Probably Damaging"; Align-GVGD: "Class C0"). This variant has not been reported in the literature in individuals affected with PIK3AP1-related conditions. This variant is present in population databases (rs779642441, gnomAD 0.0009%).

NM_152309.3(PIK3AP1):c.826G>A (p.Ala276Thr)

Gene: PIK3AP1 (phosphoinositide-3-kinase adaptor protein 1; minus strand). Cytogenetic location: 10q24.1.
Variant type: single nucleotide variant.
Coding change: c.826G>A on transcript NM_152309.3 (MANE Select); coding-DNA position 826, G replaced by A.
Protein change: p.Ala276Thr; replaces alanine 276 with threonine.
Molecular consequence: missense variant.
Genome position (GRCh38, 1-based): chr10:96,651,538, C>T on the plus strand (G>A on the coding strand, the complement: PIK3AP1 is on the minus strand). VCF-style: chr10-96651538-C-T. GRCh37 (hg19) VCF-style: chr10-98411295-C-T.
Other names: short protein forms A276T.
Identifiers: ClinVar variation 1515007 (VCV001515007.6), dbSNP rs779642441, ClinGen allele CA5626445.
Genomic context (GRCh38, chr10:96,651,538, plus strand): 5'-GAAATCTCAGGTTTCCTTGTAATATCCTTACCTGACACATGAATTCCACAGGATTCGCGG[C>T]ATTGGACAATAAATTCCCAATTTCTTCCATGTCAGTATAATAGCTGATAACGGTTTCACA-3'
Protein context (NP_689522.2, residues 266-286): MEEIGNLLSN[Ala276Thr]ANPVEFMCQA